The following is an entry in ClinVar:

NM_014244.5(ADAMTS2):c.3097T>C (p.Ser1033Pro)

Gene: ADAMTS2 (ADAM metallopeptidase with thrombospondin type 1 motif 2; minus strand). Cytogenetic location: 5q35.3.
Variant type: single nucleotide variant.
Coding change: c.3097T>C on transcript NM_014244.5 (MANE Select); coding-DNA position 3097, T replaced by C.
Protein change: p.Ser1033Pro; replaces serine 1033 with proline.
Molecular consequence: missense variant.
Genome position (GRCh38, 1-based): chr5:179,121,742, A>G on the plus strand (T>C on the coding strand, the complement: ADAMTS2 is on the minus strand). VCF-style: chr5-179121742-A-G. GRCh37 (hg19) VCF-style: chr5-178548743-A-G.
Other names: c.3097T>C (NM_014244.4); short protein forms S1033P.
Identifiers: ClinVar variation 2062003 (VCV002062003.5), dbSNP rs957771345, ClinGen allele CA133025242.

ClinVar aggregate classification (germline): Uncertain significance. Review status: criteria provided, multiple submitters, no conflicts (2 of 4 stars). 3 submissions from 3 submitters: Uncertain significance (3). Last evaluated 2025-08-04.

Conditions:
Inborn genetic diseases. Identifiers: MedGen C0950123, MeSH D030342.
Ehlers-Danlos syndrome, dermatosparaxis type. Also called: EDS VIIC; Ehlers-Danlos syndrome, type VII, autosomal recessive; Dermatosparaxis. Identifiers: Orphanet 1901, MedGen C2700425, MONDO:0009161, OMIM 225410.

Allele frequency attached by ClinVar (database versions not stated): gnomAD 0.00001; gnomAD exomes 0.00002; TOPMed 0.00002.
gnomAD v4.1: 34 of 1,577,238 alleles (0.0022%); highest among the groups gnomAD compares: Non-Finnish European, 0.0026%; no homozygotes.

Submissions (3):

Ambry Genetics
Classification: Uncertain significance for Inborn genetic diseases. Last evaluated: 2025-08-04. Review status: criteria provided, single submitter. Criteria: Ambry Variant Classification Scheme 2023. Collection method: clinical testing. Allele origin: germline.

Women's Health and Genetics/Laboratory Corporation of America, LabCorp
Classification: Uncertain significance. Last evaluated: 2025-05-06. Review status: criteria provided, single submitter. Criteria: LabCorp Variant Classification Summary - May 2015. Collection method: clinical testing. Allele origin: germline.
Comment: Variant summary: ADAMTS2 c.3097T>C (p.Ser1033Pro) results in a non-conservative amino acid change in the encoded protein sequence. Algorithms developed to predict the effect of missense changes on protein structure and function are either unavailable or do not agree on the potential impact of this missense change. The variant allele was found at a frequency of 8.8e-06 in 226250 control chromosomes. The available data on variant occurrences in the general population are insufficient to allow any conclusion about variant significance. To our knowledge, no occurrence of c.3097T>C in individuals affected with Ehlers-Danlos syndrome, dermatosparaxis type and no experimental evidence demonstrating its impact on protein function have been reported. ClinVar contains an entry for this variant (Variation ID: 2062003). Based on the evidence outlined above, the variant was classified as uncertain significance.

Labcorp Genetics (formerly Invitae), Labcorp
Classification: Uncertain significance for Ehlers-Danlos syndrome, dermatosparaxis type. Last evaluated: 2022-02-27. Review status: criteria provided, single submitter. Criteria: Invitae Variant Classification Sherloc (09022015). Collection method: clinical testing. Allele origin: germline.
Comment: This sequence change replaces serine, which is neutral and polar, with proline, which is neutral and non-polar, at codon 1033 of the ADAMTS2 protein (p.Ser1033Pro). The frequency data for this variant in the population databases is considered unreliable, as metrics indicate poor data quality at this position in the gnomAD database. This variant has not been reported in the literature in individuals affected with ADAMTS2-related conditions. Algorithms developed to predict the effect of missense changes on protein structure and function are either unavailable or do not agree on the potential impact of this missense change (SIFT: "Deleterious"; PolyPhen-2: "Benign"; Align-GVGD: "Class C65"). In summary, the available evidence is currently insufficient to determine the role of this variant in disease. Therefore, it has been classified as a Variant of Uncertain Significance.